The following is an entry in ClinVar:

NM_130837.3(OPA1):c.3047_*2del (p.Ter1016LeuextTer?)

Gene: OPA1 (OPA1 mitochondrial dynamin like GTPase; plus strand). Cytogenetic location: 3q29.
Variant type: Microsatellite.
Coding change: c.3047_*2del on transcript NM_130837.3 (MANE Select); coding-DNA position 3047 through 2 bases downstream of the stop codon, 4 bases deleted (AAAT; older notation c.3047_*2delAAAT).
Protein change: p.Ter1016LeuextTer?.
Molecular consequence: frameshift variant, stop lost.
Genome position (GRCh38, 1-based): chr3:193,692,126-193,692,129, AAAT deleted; deleting any 4 consecutive bases within chr3:193,692,122-193,692,129 gives the same sequence; the c. name uses the placement nearest the transcript's 3' end. VCF-style (leftmost placement, unchanged base first): chr3-193692121-GAAAT-G. GRCh37 (hg19) VCF-style: chr3-193409910-GAAAT-G.
Other names: c.2513_*2del, p.Ter838LeuextTer? (NM_001354663.2); c.2510_*2del, p.Ter837LeuextTer? (NM_001354664.2); c.2882_*2del, p.Ter961LeuextTer? (NM_015560.3); c.2774_*2del, p.Ter925LeuextTer? (NM_130831.3); c.2828_*2del, p.Ter943LeuextTer? (NM_130832.3); c.2885_*2del, p.Ter962LeuextTer? (NM_130833.3); c.2936_*2del, p.Ter979LeuextTer? (NM_130834.3); c.2939_*2del, p.Ter980LeuextTer? (NM_130835.3); and 1 more.
Identifiers: ClinVar variation 3642244 (VCV003642244.2).

ClinVar aggregate classification (germline): Uncertain significance (1 of 4 stars; one submission).

Submission:

Labcorp Genetics (formerly Invitae), Labcorp
Classification: Uncertain significance. Last evaluated: 2024-10-13. Review status: criteria provided, single submitter. Criteria: Invitae Variant Classification Sherloc (09022015). Collection method: clinical testing. Allele origin: germline.
Comment: This sequence change disrupts the translational stop signal of the OPA1 mRNA. It is expected to extend the length of the OPA1 protein by 5 additional amino acid residues. This variant is not present in population databases (gnomAD no frequency). This variant has not been reported in the literature in individuals affected with OPA1-related conditions. Experimental studies and prediction algorithms are not available or were not evaluated, and the functional significance of this variant is currently unknown. In summary, the available evidence is currently insufficient to determine the role of this variant in disease. Therefore, it has been classified as a Variant of Uncertain Significance.